The following is an entry in ClinVar:

NM_006516.4(SLC2A1):c.1450C>T (p.His484Tyr)

Gene: SLC2A1 (solute carrier family 2 member 1; minus strand). Cytogenetic location: 1p34.2.
Variant type: single nucleotide variant.
Coding change: c.1450C>T on transcript NM_006516.4 (MANE Select); coding-DNA position 1450, C replaced by T.
Protein change: p.His484Tyr; replaces histidine 484 with tyrosine.
Molecular consequence: missense variant.
Genome position (GRCh38, 1-based): chr1:42,927,070, G>A on the plus strand (C>T on the coding strand, the complement: SLC2A1 is on the minus strand). VCF-style: chr1-42927070-G-A. GRCh37 (hg19) VCF-style: chr1-43392741-G-A.
Other names: p.His484Tyr; c.1450C>T (NM_006516.3); short protein forms H484Y.
Identifiers: ClinVar variation 1307401 (VCV001307401.8), dbSNP rs2124445324, ClinGen allele CA339952392.

ClinVar aggregate classification (germline): Uncertain significance. Review status: criteria provided, multiple submitters, no conflicts (2 of 4 stars). 8 submissions from 4 submitters: Uncertain significance (8). Last evaluated 2025-06-25.

Conditions:
Hereditary cryohydrocytosis with reduced stomatin. Also called: GLUT1 DEFICIENCY SYNDROME WITH PSEUDOHYPERKALEMIA AND HEMOLYSIS; Stomatin-deficient cryohydrocytosis with neurologic defects. Identifiers: Orphanet 168577, MedGen C1837206, MONDO:0012143, OMIM 608885.
GLUT1 deficiency syndrome 1, autosomal recessive. Identifiers: MedGen C3149117.
Childhood onset GLUT1 deficiency syndrome 2. Also called: GLUT1 deficiency syndrome 2; Paroxysmal exercise-induced dystonia; PxMD-SLC2A1; PAROXYSMAL EXERCISE-INDUCED DYSKINESIA WITH OR WITHOUT EPILEPSY AND/OR HEMOLYTIC ANEMIA; PAROXYSMAL EXERTION-INDUCED DYSTONIA WITH OR WITHOUT EPILEPSY AND/OR HEMOLYTIC ANEMIA; PED WITH OR WITHOUT EPILEPSY AND/OR HEMOLYTIC ANEMIA. Identifiers: Orphanet 98811, MedGen C1842534, MONDO:0012805, OMIM 612126.
Dystonia 9 (DYT9). Also called: CHOREOATHETOSIS, KINESIGENIC, WITH EPISODIC ATAXIA AND SPASTICITY. Identifiers: Orphanet 53583, MedGen C1832855, MONDO:0010983, OMIM 601042.
Encephalopathy due to GLUT1 deficiency. Also called: De Vivo disease; GLUT1 deficiency syndrome 1, infantile onset, severe; GLUCOSE TRANSPORT DEFECT, BLOOD-BRAIN BARRIER; Classic Glucose Transporter Type 1 Deficiency Syndrome; Glucose transporter protein syndrome; GLUT1 deficiency syndrome 1. Identifiers: Orphanet 71277, MedGen C4551966, MONDO:0011724, OMIM 606777.
Epilepsy, idiopathic generalized, susceptibility to, 12 (EIG12). Identifiers: MedGen C3553859, MONDO:0013919, OMIM 614847.

Submissions (8):

Mayo Clinic Laboratories, Mayo Clinic
Classification: Uncertain significance. Last evaluated: 2025-06-25. Review status: criteria provided, single submitter. Criteria: ACMG Guidelines, 2015. Collection method: clinical testing. Allele origin: germline. Observed: 1 variant allele.

Genome-Nilou Lab
Classification: Uncertain significance for Epilepsy, idiopathic generalized, susceptibility to, 12. Last evaluated: 2023-04-11. Review status: criteria provided, single submitter. Criteria: ACMG Guidelines, 2015. Collection method: clinical testing. Allele origin: germline. Affected: no.

Genome-Nilou Lab
Classification: Uncertain significance for Dystonia 9. Last evaluated: 2023-04-11. Review status: criteria provided, single submitter. Criteria: ACMG Guidelines, 2015. Collection method: clinical testing. Allele origin: germline. Affected: no.

Genome-Nilou Lab
Classification: Uncertain significance for Encephalopathy due to GLUT1 deficiency. Last evaluated: 2023-04-11. Review status: criteria provided, single submitter. Criteria: ACMG Guidelines, 2015. Collection method: clinical testing. Allele origin: germline. Affected: no.

Genome-Nilou Lab
Classification: Uncertain significance for Childhood onset GLUT1 deficiency syndrome 2. Last evaluated: 2023-04-11. Review status: criteria provided, single submitter. Criteria: ACMG Guidelines, 2015. Collection method: clinical testing. Allele origin: germline. Affected: no.

Genome-Nilou Lab
Classification: Uncertain significance for Hereditary cryohydrocytosis with reduced stomatin. Last evaluated: 2023-04-11. Review status: criteria provided, single submitter. Criteria: ACMG Guidelines, 2015. Collection method: clinical testing. Allele origin: germline. Affected: no.

Labcorp Genetics (formerly Invitae), Labcorp
Classification: Uncertain significance for GLUT1 deficiency syndrome 1, autosomal recessive. Last evaluated: 2022-07-06. Review status: criteria provided, single submitter. Criteria: Invitae Variant Classification Sherloc (09022015). Collection method: clinical testing. Allele origin: germline.
Comment: This sequence change replaces histidine, which is basic and polar, with tyrosine, which is neutral and polar, at codon 484 of the SLC2A1 protein (p.His484Tyr). In summary, the available evidence is currently insufficient to determine the role of this variant in disease. Therefore, it has been classified as a Variant of Uncertain Significance. Advanced modeling of protein sequence and biophysical properties (such as structural, functional, and spatial information, amino acid conservation, physicochemical variation, residue mobility, and thermodynamic stability) performed at Invitae indicates that this missense variant is not expected to disrupt SLC2A1 protein function. ClinVar contains an entry for this variant (Variation ID: 1307401). This variant has not been reported in the literature in individuals affected with SLC2A1-related conditions. This variant is not present in population databases (gnomAD no frequency).

GeneDx
Classification: Uncertain significance. Last evaluated: 2019-08-01. Review status: criteria provided, single submitter. Criteria: GeneDx Variant Classification Process June 2021. Collection method: clinical testing. Allele origin: germline. Affected: yes.
Comment: Not observed in large population cohorts (Lek et al., 2016); In silico analysis, which includes protein predictors and evolutionary conservation, supports that this variant does not alter protein structure/function; Has not been previously published as pathogenic or benign to our knowledge